The following is an entry in ClinVar:

NM_004448.4(ERBB2):c.1556A>G (p.His519Arg)

Gene: ERBB2 (erb-b2 receptor tyrosine kinase 2; plus strand). Cytogenetic location: 17q12.
Variant type: single nucleotide variant.
Coding change: c.1556A>G on transcript NM_004448.4 (MANE Select); coding-DNA position 1556, A replaced by G.
Protein change: p.His519Arg; replaces histidine 519 with arginine.
Molecular consequence: missense variant. On other transcripts: non-coding transcript variant (1), intron variant (1).
Genome position (GRCh38, 1-based): chr17:39,716,343, A>G. VCF-style: chr17-39716343-A-G. GRCh37 (hg19) VCF-style: chr17-37872596-A-G.
Other names: c.1556A>G, p.His519Arg (NM_001382795.1, NM_001382796.1, NM_001382797.1 and 11 more transcripts); c.1376A>G, p.His459Arg (NM_001382799.1); c.1298A>G, p.His433Arg (NM_001382802.1); c.728A>G, p.His243Arg (NM_001382804.1); c.1466A>G, p.His489Arg (NM_001005862.3, NM_001289938.2, NM_001382782.1 and 1 more transcripts); c.1511A>G, p.His504Arg (NM_001289936.2); c.1673A>G, p.His558Arg (NM_001382784.1, NM_001382786.1); c.1631A>G, p.His544Arg (NM_001382787.1); and 4 more; short protein forms H243R, H433R, H489R, H516R, H526R, H504R, H529R, H544R.
Identifiers: ClinVar variation 2097466 (VCV002097466.5), dbSNP rs2145676083, ClinGen allele CA399292452.

ClinVar aggregate classification (germline): Uncertain significance. Review status: criteria provided, multiple submitters, no conflicts (2 of 4 stars). 2 submissions from 2 submitters: Uncertain significance (2). Last evaluated 2024-04-22.

Conditions:
Ovarian cancer. Also called: OVARIAN CANCER, SOMATIC. Identifiers: Orphanet 213500, MedGen C1140680, MONDO:0008170, OMIM 167000.
Visceral neuropathy, familial, 2, autosomal recessive. Identifiers: MedGen C5561950, MONDO:0030399, OMIM 619465.
Lung cancer. Also called: Malignant tumor of lung; Lung cancer, somatic. Identifiers: MedGen C0242379, MONDO:0008903, OMIM 211980.
Glioma susceptibility 1 (GLM1). Also called: Glioblastoma, somatic. Identifiers: MedGen C2750850, MONDO:0024498, OMIM 137800.
Gastric cancer. Also called: Malignant tumor of stomach; Stomach cancer. Identifiers: MedGen C0024623, MeSH D013274, MONDO:0001056, OMIM 613659, HP:0012126.

Submissions (2):

Fulgent Genetics
Classification: Uncertain significance for Glioma susceptibility 1; Ovarian cancer; Lung cancer; Gastric cancer; Visceral neuropathy, familial, 2, autosomal recessive. Last evaluated: 2024-04-22. Review status: criteria provided, single submitter. Criteria: ACMG Guidelines, 2015. Collection method: clinical testing. Allele origin: germline.

Labcorp Genetics (formerly Invitae), Labcorp
Classification: Uncertain significance. Last evaluated: 2022-02-13. Review status: criteria provided, single submitter. Criteria: Invitae Variant Classification Sherloc (09022015). Collection method: clinical testing. Allele origin: germline.
Comment: In summary, the available evidence is currently insufficient to determine the role of this variant in disease. Therefore, it has been classified as a Variant of Uncertain Significance. Algorithms developed to predict the effect of missense changes on protein structure and function (SIFT, PolyPhen-2, Align-GVGD) all suggest that this variant is likely to be tolerated. This sequence change replaces histidine, which is basic and polar, with arginine, which is basic and polar, at codon 519 of the ERBB2 protein (p.His519Arg). This variant is not present in population databases (gnomAD no frequency). This variant has not been reported in the literature in individuals affected with ERBB2-related conditions.